The following is an entry in ClinVar:

ClinVar aggregate classification (germline): Uncertain significance. Review status: criteria provided, multiple submitters, no conflicts (2 of 4 stars). 3 submissions from 3 submitters: Uncertain significance (3). Last evaluated 2022-03-15.

Conditions:
Cardiovascular phenotype. Identifiers: MedGen CN230736.
Hereditary cancer-predisposing syndrome. Also called: Hereditary neoplastic syndrome; Neoplastic Syndromes, Hereditary; Tumor predisposition; Hereditary Cancer Syndrome. Identifiers: Orphanet 140162, MedGen C0027672, MeSH D009386, MONDO:0015356.
Neurofibromatosis, type 1 (NF1). Also called: VON RECKLINGHAUSEN DISEASE; Peripheral type neurofibromatosis; NEUROFIBROMATOSIS, TYPE I, SOMATIC; Neurofibromatosis, type I. Identifiers: Orphanet 636, MedGen C0027831, MONDO:0018975, OMIM 162200. Disease mechanism: loss of function.

Allele frequency attached by ClinVar (database versions not stated): gnomAD exomes below 0.00001.
gnomAD v4.1: 2 of 1,613,612 alleles (0.00012%); highest among the groups gnomAD compares: East Asian, 0.0045%; no homozygotes.

Submissions (3):

Genome-Nilou Lab
Classification: Uncertain significance for Neurofibromatosis, type 1. Last evaluated: 2022-03-15. Review status: criteria provided, single submitter. Criteria: ACMG Guidelines, 2015. Collection method: clinical testing. Allele origin: germline. Affected: no.

Labcorp Genetics (formerly Invitae), Labcorp
Classification: Uncertain significance for Neurofibromatosis, type 1. Last evaluated: 2020-04-10. Review status: criteria provided, single submitter. Criteria: Invitae Variant Classification Sherloc (09022015). Collection method: clinical testing. Allele origin: germline.
Comment: In summary, the available evidence is currently insufficient to determine the role of this variant in disease. Therefore, it has been classified as a Variant of Uncertain Significance. Nucleotide substitutions within the consensus splice site are a relatively common cause of aberrant splicing (PMID: 17576681, 9536098). Algorithms developed to predict the effect of sequence changes on RNA splicing suggest that this variant may disrupt the consensus splice site, but this prediction has not been confirmed by published transcriptional studies. This variant has not been reported in the literature in individuals with NF1-related conditions. ClinVar contains an entry for this variant (Variation ID: 480194). This variant is not present in population databases (ExAC no frequency). This sequence change falls in intron 12 of the NF1 gene. It does not directly change the encoded amino acid sequence of the NF1 protein, but it affects a nucleotide within the consensus splice site of the intron.

Ambry Genetics
Classification: Uncertain significance for Cardiovascular phenotype; Hereditary cancer-predisposing syndrome. Last evaluated: 2017-03-17. Review status: criteria provided, single submitter. Criteria: Ambry Variant Classification Scheme 2023. Collection method: clinical testing. Allele origin: germline.
Comment: The c.1392+4A>G intronic variant results from an A to G substitution 4 nucleotides after coding exon 12 in the NF1 gene. This nucleotide position is highly conserved in available vertebrate species. Using the BDGP and ESEfinder splice site prediction tools, this alteration is predicted to weaken the efficiency of the native splice donor site; however, direct evidence is unavailable. Since supporting evidence is limited at this time, the clinical significance of this alteration remains unclear.

Literature cited by the submitters: PubMed 17576681 (cited by Labcorp Genetics (formerly Invitae), Labcorp); PubMed 9536098 (cited by Labcorp Genetics (formerly Invitae), Labcorp).

NM_001042492.3(NF1):c.1392+4A>G

Gene: NF1 (neurofibromin 1; plus strand). Cytogenetic location: 17q11.2.
Variant type: single nucleotide variant.
Coding change: c.1392+4A>G on transcript NM_001042492.3 (MANE Select); 4 bases into the intron after coding-DNA position 1392, A replaced by G.
Molecular consequence: intron variant.
Genome position (GRCh38, 1-based): chr17:31,206,375, A>G. VCF-style: chr17-31206375-A-G. GRCh37 (hg19) VCF-style: chr17-29533393-A-G.
Other names: c.1392+4A>G (NM_000267.4, NM_001128147.3).
Identifiers: ClinVar variation 480194 (VCV000480194.11), dbSNP rs1555611611, ClinGen allele CA658656584.